The following is an entry in ClinVar:

ClinVar aggregate classification (germline): Uncertain significance (1 of 4 stars; one submission).

gnomAD v4.1: 2 of 1,572,026 alleles (0.00013%); highest among the groups gnomAD compares: Non-Finnish European, 0.00017%; no homozygotes.

Submission:

CeGaT Center for Human Genetics Tuebingen
Classification: Uncertain significance. Last evaluated: 2024-07-01. Review status: criteria provided, single submitter. Criteria: CeGaT Center For Human Genetics Tuebingen Variant Classification Criteria Version 2. Collection method: clinical testing. Allele origin: germline. Affected: yes. Observed: 1 variant allele.
Comment: ADCY5: PM2

NM_183357.3(ADCY5):c.2531T>C (p.Leu844Pro)

Gene: ADCY5 (adenylate cyclase 5; minus strand). Cytogenetic location: 3q21.1.
Variant type: single nucleotide variant.
Coding change: c.2531T>C on transcript NM_183357.3 (MANE Select); coding-DNA position 2531, T replaced by C.
Protein change: p.Leu844Pro; replaces leucine 844 with proline.
Molecular consequence: missense variant.
Genome position (GRCh38, 1-based): chr3:123,304,095, A>G on the plus strand (T>C on the coding strand, the complement: ADCY5 is on the minus strand). VCF-style: chr3-123304095-A-G. GRCh37 (hg19) VCF-style: chr3-123022942-A-G.
Other names: c.1481T>C, p.Leu494Pro (NM_001199642.1); c.2531T>C, p.Leu844Pro (NM_001378259.1); short protein forms L494P, L844P.
Identifiers: ClinVar variation 3257215 (VCV003257215.17).